The following is an entry in ClinVar:

ClinVar aggregate classification (germline): Benign/Likely benign. Review status: criteria provided, multiple submitters, no conflicts (2 of 4 stars). 3 submissions from 3 submitters: Benign (1); Likely benign (2). Last evaluated 2026-06-03.

Conditions:
Gastrointestinal stromal tumor. Also called: Gastrointestinal stromal tumor, somatic; Gastrointestinal stroma tumor. Identifiers: Orphanet 44890, MedGen C0238198, MeSH D046152, MONDO:0011719, OMIM 606764, HP:0100723.
Hereditary cancer-predisposing syndrome. Also called: Neoplastic Syndromes, Hereditary; Hereditary Cancer Syndrome; Hereditary neoplastic syndrome; Tumor predisposition. Identifiers: Orphanet 140162, MedGen C0027672, MeSH D009386, MONDO:0015356.

Allele frequency attached by ClinVar (database versions not stated): TOPMed below 0.00001; gnomAD exomes 0.00001.
gnomAD v4.1: 4 of 1,613,924 alleles (0.00025%); highest among the groups gnomAD compares: Admixed American, 0.0033%; no homozygotes.

Submissions (3):

Myriad Genetics, Inc.
Classification: Benign for Gastrointestinal stromal tumor. Last evaluated: 2026-06-03. Review status: criteria provided, single submitter. Criteria: Myriad Autosomal Dominant, Autosomal Recessive and X-Linked Classification Criteria (2023). Collection method: clinical testing. Allele origin: unknown.
Comment: This variant is considered benign. This variant is a silent/synonymous amino acid change and it is not expected to impact splicing.

Labcorp Genetics (formerly Invitae), Labcorp
Classification: Likely benign for Gastrointestinal stromal tumor. Last evaluated: 2025-11-05. Review status: criteria provided, single submitter. Criteria: Invitae Variant Classification Sherloc (09022015). Collection method: clinical testing. Allele origin: germline.

Ambry Genetics
Classification: Likely benign for Hereditary cancer-predisposing syndrome. Last evaluated: 2022-06-11. Review status: criteria provided, single submitter. Criteria: Ambry Variant Classification Scheme 2023. Collection method: clinical testing. Allele origin: germline.

NM_000222.3(KIT):c.354C>T (p.Phe118=)

Gene: KIT (KIT proto-oncogene, receptor tyrosine kinase; plus strand). Cytogenetic location: 4q12.
Variant type: single nucleotide variant.
Coding change: c.354C>T on transcript NM_000222.3 (MANE Select); coding-DNA position 354, C replaced by T.
Protein change: p.Phe118=; no amino-acid change (phenylalanine 118 retained).
Molecular consequence: synonymous variant.
Genome position (GRCh38, 1-based): chr4:54,698,300, C>T. VCF-style: chr4-54698300-C-T. GRCh37 (hg19) VCF-style: chr4-55564466-C-T.
Other names: c.354C>T, p.Phe118= (NM_001093772.2, NM_001385284.1, NM_001385285.1 and 4 more transcripts).
Identifiers: ClinVar variation 762702 (VCV000762702.14), dbSNP rs1352598333, ClinGen allele CA439408851.